The following is an entry in ClinVar:

ClinVar aggregate classification (germline): Uncertain significance (1 of 4 stars; one submission).

Submission:

GeneDx
Classification: Uncertain significance. Last evaluated: 2022-02-24. Review status: criteria provided, single submitter. Criteria: GeneDx Variant Classification Process June 2021. Collection method: clinical testing. Allele origin: germline. Affected: yes.
Comment: Not observed at significant frequency in large population cohorts (gnomAD); In silico analysis supports that this variant does not alter protein structure/function; Has not been previously published as pathogenic or benign to our knowledge

NM_006005.3(WFS1):c.229_230delinsCA (p.Thr77His)

Gene: WFS1 (wolframin ER transmembrane glycoprotein; plus strand). Cytogenetic location: 4p16.1.
Variant type: Indel.
Coding change: c.229_230delinsCA on transcript NM_006005.3 (MANE Select); coding-DNA positions 229 to 230, AC replaced by CA.
Protein change: p.Thr77His; replaces threonine 77 with histidine.
Molecular consequence: missense variant.
Genome position (GRCh38, 1-based): chr4:6,277,684-6,277,685, AC replaced by CA. VCF-style: chr4-6277684-AC-CA. GRCh37 (hg19) VCF-style: chr4-6279411-AC-CA.
Other names: c.229_230delinsCA, p.Thr77His (NM_001145853.1); short protein forms T77H.
Identifiers: ClinVar variation 1703466 (VCV001703466.2), dbSNP rs2474157709, ClinGen allele CA2580071762.